The following is an entry in ClinVar:

ClinVar aggregate classification (germline): Likely pathogenic (1 of 4 stars; one submission).

Submission:

GeneDx
Classification: Likely pathogenic. Last evaluated: 2017-02-15. Review status: criteria provided, single submitter. Criteria: GeneDx Variant Classification (06012015). Collection method: clinical testing. Allele origin: germline. Affected: yes.
Comment: The L2330F variant in the CREBBP gene has not been reported previously as a pathogenic variant,nor as a benign variant, to our knowledge. This variant is not observed in large population cohorts(Lek et al., 2016; 1000 Genomes Consortium et al., 2015; Exome Variant Server). The L2330Fvariant is a conservative amino acid substitution, which is not likely to impact secondary proteinstructure as these residues share similar properties, and occurs at a position where amino acids withsimilar properties to Leucine are tolerated across species. However, in silico analysis predicts thisvariant is probably damaging to the protein structure/function. The L2330F variant is a strongcandidate for a pathogenic variant.

NM_004380.3(CREBBP):c.6988C>T (p.Leu2330Phe)

Gene: CREBBP (CREB binding protein; minus strand). Cytogenetic location: 16p13.3.
Variant type: single nucleotide variant.
Coding change: c.6988C>T on transcript NM_004380.3 (MANE Select); coding-DNA position 6988, C replaced by T.
Protein change: p.Leu2330Phe; replaces leucine 2330 with phenylalanine.
Molecular consequence: missense variant.
Genome position (GRCh38, 1-based): chr16:3,728,059, G>A on the plus strand (C>T on the coding strand, the complement: CREBBP is on the minus strand). VCF-style: chr16-3728059-G-A. GRCh37 (hg19) VCF-style: chr16-3778060-G-A.
Other names: c.6874C>T, p.Leu2292Phe (NM_001079846.1); short protein forms L2330F, L2292F.
Identifiers: ClinVar variation 423615 (VCV000423615.2), dbSNP rs1064796531, ClinGen allele CA16620193.